The following is an entry in ClinVar:

ClinVar aggregate classification (germline): Uncertain significance. Review status: criteria provided, multiple submitters, no conflicts (2 of 4 stars). 2 submissions from 2 submitters: Uncertain significance (2). Last evaluated 2025-08-29.

Conditions:
Inborn genetic diseases. Identifiers: MedGen C0950123, MeSH D030342.
Compton-North congenital myopathy (CMYO12). Identifiers: Orphanet 210163, MedGen C2675527, MONDO:0012929, OMIM 612540.

Allele frequency attached by ClinVar (database versions not stated): gnomAD 0.00001 and 0.00002; gnomAD exomes 0.00005 and 0.00011; TOPMed 0.00006; ExAC 0.00008; 1000 Genomes Project 30x 0.00016; 1000 Genomes Project 0.00020; ESP Exome Variant Server 0.00023.
gnomAD v4.1: 170 of 1,577,522 alleles (0.011%); highest among the groups gnomAD compares: Non-Finnish European, 0.013%; no homozygotes.

Submissions (2):

Ambry Genetics
Classification: Uncertain significance for Inborn genetic diseases. Last evaluated: 2025-08-29. Review status: criteria provided, single submitter. Criteria: Ambry Variant Classification Scheme 2023. Collection method: clinical testing. Allele origin: germline.

Labcorp Genetics (formerly Invitae), Labcorp
Classification: Uncertain significance for Compton-North congenital myopathy. Last evaluated: 2024-10-30. Review status: criteria provided, single submitter. Criteria: Invitae Variant Classification Sherloc (09022015). Collection method: clinical testing. Allele origin: germline.
Comment: This sequence change replaces proline, which is neutral and non-polar, with leucine, which is neutral and non-polar, at codon 137 of the CNTN1 protein (p.Pro137Leu). This variant is present in population databases (rs184703177, gnomAD 0.01%). This variant has not been reported in the literature in individuals affected with CNTN1-related conditions. ClinVar contains an entry for this variant (Variation ID: 1000242). Invitae Evidence Modeling of protein sequence and biophysical properties (such as structural, functional, and spatial information, amino acid conservation, physicochemical variation, residue mobility, and thermodynamic stability) indicates that this missense variant is not expected to disrupt CNTN1 protein function with a negative predictive value of 95%. In summary, the available evidence is currently insufficient to determine the role of this variant in disease. Therefore, it has been classified as a Variant of Uncertain Significance.

NM_001843.4(CNTN1):c.410C>T (p.Pro137Leu)

Gene: CNTN1 (contactin 1; plus strand). Cytogenetic location: 12q12.
Variant type: single nucleotide variant.
Coding change: c.410C>T on transcript NM_001843.4 (MANE Select); coding-DNA position 410, C replaced by T.
Protein change: p.Pro137Leu; replaces proline 137 with leucine.
Molecular consequence: missense variant.
Genome position (GRCh38, 1-based): chr12:40,924,566, C>T. VCF-style: chr12-40924566-C-T. GRCh37 (hg19) VCF-style: chr12-41318368-C-T.
Other names: c.410C>T, p.Pro137Leu (NM_001256063.2, NM_001256064.2); c.377C>T, p.Pro126Leu (NM_175038.2); c.410C>T (NM_001843.2); short protein forms P126L, P137L.
Identifiers: ClinVar variation 1000242 (VCV001000242.5), dbSNP rs184703177, ClinGen allele CA6516611.